The following is an entry in ClinVar:

ClinVar aggregate classification (germline): Pathogenic. Review status: criteria provided, multiple submitters, no conflicts (2 of 4 stars). 8 submissions from 8 submitters: Pathogenic (8). Last evaluated 2025-11-11.

Conditions:
Noonan syndrome and Noonan-related syndrome. Identifiers: Orphanet 98733, MedGen C5681679, MONDO:0020297.
RASopathy. Also called: rasopathies; Noonan spectrum disorder. Identifiers: Orphanet 536391, MedGen C5555857, MONDO:0021060.
Noonan syndrome (NS). Also called: Noonan's syndrome. Identifiers: Orphanet 648, MedGen C0028326, MeSH D009634, MONDO:0018997. Disease mechanism: gain of function.
Noonan syndrome 4 (NS4). Also called: SOS1-Related Noonan Syndrome; NOONAN SYNDROME WITH PIGMENTED VILLONODULAR SYNOVITIS. Identifiers: Orphanet 648, MedGen C1853120, MONDO:0012547, OMIM 610733.

Submissions (8):

3billion
Classification: Pathogenic for Noonan syndrome 4. Last evaluated: 2025-11-11. Review status: criteria provided, single submitter. Criteria: ACMG Guidelines, 2015. Collection method: clinical testing. Allele origin: germline. Affected: yes.
Comment: The variant is not observed in the gnomAD v4.1.0 dataset. Predicted Consequence/Location: Missense variant. Missense changes are a common disease-causing mechanism. Damaging effect on gene or gene product predicted by in silico programs is uncertain [REVEL: 0.53 (damaging >=0.6, benign <0.4), 3Cnet: 0.11 (damaging >0.75, benign <0.1)]. The same nucleotide change resulting in the same amino acid change has been previously reported as pathogenic/likely pathogenic with strong evidence (ClinVar ID: VCV000045379 /PMID: 17143285). The variant has been observed in multiple (>3) similarly affected unrelated individuals (PMID: 17143285, 17586837, 18651097). The variant has been previously reported as assumed (i.e. paternity and maternity not confirmed) de novo in at least one similarly affected unrelated individual (PMID: 17586837). A different missense change at the same codon (p.Asp309Asn) has been reported to be associated with SOS1-related disorder (ClinVar ID: VCV001333569 /3billion dataset). Therefore, this variant is classified as Pathogenic according to the recommendation of ACMG/AMP guideline.

GeneDx
Classification: Pathogenic. Last evaluated: 2025-02-07. Review status: criteria provided, single submitter. Criteria: GeneDx Variant Classification Process June 2021. Collection method: clinical testing. Allele origin: germline. Affected: yes.
Comment: Published functional studies demonstrate a damaging effect as this variant results in increased activation of ERK and RAS (PMID: 17143285); Not observed at significant frequency in large population cohorts (gnomAD); Missense variants in this gene are a common cause of disease and they are underrepresented in the general population; In silico analysis supports that this missense variant has a deleterious effect on protein structure/function; This variant is associated with the following publications: (PMID: 21387466, 17586837, 24803665, 18651097, 33318624, 17143285, 22465605)

Dasa
Classification: Pathogenic for Noonan syndrome 4. Last evaluated: 2022-06-10. Review status: criteria provided, single submitter. Criteria: ACMG Guidelines, 2015. Collection method: clinical testing. Allele origin: germline. Affected: yes. Observed: 1 variant allele.
Comment: The c.925G>T;p.(Asp309Tyr) missense change has been observed in affected individual(s) and ClinVar contains an entry for this variant (Clinvar ID: 45379; PMID: 17143285; 17586837; 18651097) - PS4.Well-established in vitro or in vivo functional studies supportive of a damaging effect on the gene or gene product (PMID: 17143285) - PS3_supporting. This variant is not present in population databases:rs397517180 , gnomAD; ABraOM no frequency) - PM2. The variant was assumed de novo, but without confirmation of paternity and maternity (PMID: 17143285; 17586837)PM6. The variant co-segregated with disease in multiple affected family members (PMID: 18651097) - PP1. In summary, the currently available evidence indicates that the variant is Pathogenic

Labcorp Genetics (formerly Invitae), Labcorp
Classification: Pathogenic for RASopathy. Last evaluated: 2021-05-21. Review status: criteria provided, single submitter. Criteria: Invitae Variant Classification Sherloc (09022015). Collection method: clinical testing. Allele origin: germline.
Comment: Experimental studies have shown that this variant affects SOS1 protein function (PMID: 17143285). For these reasons, this variant has been classified as Pathogenic. Advanced modeling of protein sequence and biophysical properties (such as structural, functional, and spatial information, amino acid conservation, physicochemical variation, residue mobility, and thermodynamic stability) performed at Invitae indicates that this missense variant is expected to disrupt SOS1 protein function. This variant has been observed in individual(s) with Noonan syndrome (PMID: 17143285, 18651097, 17586837). In at least one individual the variant was observed to be de novo. ClinVar contains an entry for this variant (Variation ID: 45379). This variant is not present in population databases (ExAC no frequency). This sequence change replaces aspartic acid with tyrosine at codon 309 of the SOS1 protein (p.Asp309Tyr). The aspartic acid residue is weakly conserved and there is a large physicochemical difference between aspartic acid and tyrosine.

Victorian Clinical Genetics Services, Murdoch Childrens Research Institute
Classification: Pathogenic for Noonan syndrome 4. Last evaluated: 2020-05-25. Review status: criteria provided, single submitter. Criteria: ACMG Guidelines, 2015. Collection method: clinical testing. Allele origin: germline. Inheritance: Autosomal dominant inheritance. Affected: yes.
Comment: Based on the classification scheme VCGS_Germline_v1.1.1, this variant is classified as Pathogenic. Following criteria are met: 0101 - Gain-of-function is a known mechanism of disease for this gene. (N) 0107 - This gene is known to be associated with autosomal dominant disease. (N) 0200 - Variant is predicted to result in a missense amino acid change from an aspartic acid to a tyrosine (exon 7). (N) 0251 - Variant is heterozygous. (N) 0301 - Variant is absent from gnomAD. (P) 0502 - Missense variant with conflicting in silico predictions and/or uninformative conservation. (N) 0600 - Variant is located in an annotated domain or motif (DH-PH domain; PMID:17143285). (N) 0705 - No comparable variants have previous evidence for pathogenicity. (N) 0801 - Strong previous evidence of pathogenicity in unrelated individuals. Variant identified in multiple individuals with Noonan syndrome (ClinVar, PMID: 17143285; 18651097). (P) 0903 - Low evidence for segregation with disease. Three individuals with Noonan syndrome over three generations (PMID: 18651097). (P) 1002 - Moderate functional evidence supporting abnormal protein function. This variant was shown to increase ERK activation compared to wild-type in transfected cells (PMID: 17143285). (P) 1101 - Very strong and specific phenotype match. (P) 1208 - Inheritance information for this variant is not currently available. (N) Legend: (P) - Pathogenic, (N) - Neutral, (B) - Benign

Genome Diagnostics Laboratory, The Hospital for Sick Children
Classification: Pathogenic for Noonan syndrome and Noonan-related syndrome. Last evaluated: 2018-11-01. Review status: criteria provided, single submitter. Criteria: ACMG Guidelines, 2015. Collection method: clinical testing. Allele origin: germline. Affected: yes.

Laboratory for Molecular Medicine, Mass General Brigham Personalized Medicine
Classification: Pathogenic for Noonan syndrome. Last evaluated: 2017-03-20. Review status: criteria provided, single submitter. Criteria: LMM Criteria. Collection method: clinical testing. Allele origin: germline. Inheritance: Autosomal dominant inheritance. Observed: 5 variant alleles.
Comment: The Asp309Tyr variant in SOS1 has been identified in at least 5 individuals with the clinical features of Noonan syndrome, occurred de novo in one of these indi viduals, and segregated with phenotypic features in 2 family members of one fami ly (Narumi 2008, Roberts 2007, Zenker 2007, LMM data). This variant has been ide ntified in large population studies. In addition, functional studies showed that this variant caused an increased EGF-evoked ERK activation, which is similar to PTPN11 disease-causing variants (Roberts 2007). In summary, this variant meets criteria to be classified as pathogenic for Noonan syndrome in an autosomal domi nant manner based upon de novo occurrence, segregation studies, extremely low al lele frequency in the general population, and supporting functional evidence.

Genome-Nilou Lab
Classification: Pathogenic for Noonan syndrome 4. Review status: criteria provided, single submitter. Criteria: ACMG Guidelines, 2015. Collection method: clinical testing. Allele origin: germline.

Literature cited by the submitters: PubMed 17143285 (cited by 5 submitters); PubMed 17586837 (cited by 4 submitters); PubMed 18651097 (cited by 5 submitters); PubMed 1758637 (cited by Laboratory for Molecular Medicine, Mass General Brigham Personalized Medicine).

NM_005633.4(SOS1):c.925G>T (p.Asp309Tyr)

Gene: SOS1 (SOS Ras/Rac guanine nucleotide exchange factor 1; minus strand). Cytogenetic location: 2p22.1.
Variant type: single nucleotide variant.
Coding change: c.925G>T on transcript NM_005633.4 (MANE Select); coding-DNA position 925, G replaced by T.
Protein change: p.Asp309Tyr; replaces aspartic acid 309 with tyrosine.
Molecular consequence: missense variant.
Genome position (GRCh38, 1-based): chr2:39,035,440, C>A on the plus strand (G>T on the coding strand, the complement: SOS1 is on the minus strand). VCF-style: chr2-39035440-C-A. GRCh37 (hg19) VCF-style: chr2-39262581-C-A.
Other names: c.904G>T, p.Asp302Tyr (NM_001382394.1); c.925G>T, p.Asp309Tyr (NM_001382395.1); short protein forms D309Y, D302Y.
Identifiers: ClinVar variation 45379 (VCV000045379.24), dbSNP rs397517180, ClinGen allele CA261746.
Genomic context (GRCh38, chr2:39,035,440, plus strand): 5'-ATTACTATACCTGCAAATAAAGTGCTGCCCCAGGCTTTGATAACTGACTAAGGAAACGAT[C>A]ATGAAAACCAGGTCGCAAAATATCTCGAGCATACGATTCATATGGATCAAATGCCAGTTC-3'
Protein context (NP_005624.2, residues 299-319): ARDILRPGFH[Asp309Tyr]RFLSQLSKPG